The following is an entry in ClinVar:

ClinVar aggregate classification (germline): Conflicting classifications of pathogenicity. Review status: criteria provided, conflicting classifications (1 of 4 stars). 2 submissions from 2 submitters: Uncertain significance (1); Likely benign (1). Last evaluated 2025-07-30.

Conditions:
Hereditary breast ovarian cancer syndrome. Also called: Hereditary breast and ovarian cancer syndrome (HBOC); Hereditary breast and ovarian cancer syndrome; Breast and ovarian cancer; Hereditary breast and ovarian cancer; Hereditary breast and/or ovarian cancer syndrome; BRCA1- and BRCA2-Associated Hereditary Breast and Ovarian Cancer. Identifiers: Orphanet 145, MedGen C0677776, MeSH D061325, MONDO:0003582. Disease mechanism: loss of function.
Hereditary cancer-predisposing syndrome. Also called: Neoplastic Syndromes, Hereditary; Tumor predisposition; Hereditary neoplastic syndrome; Hereditary Cancer Syndrome. Identifiers: Orphanet 140162, MedGen C0027672, MeSH D009386, MONDO:0015356.

Submissions (2):

Labcorp Genetics (formerly Invitae), Labcorp
Classification: Uncertain significance for Hereditary breast ovarian cancer syndrome. Last evaluated: 2025-07-30. Review status: criteria provided, single submitter. Criteria: Invitae Variant Classification Sherloc (09022015). Collection method: clinical testing. Allele origin: germline.
Comment: This sequence change replaces threonine, which is neutral and polar, with serine, which is neutral and polar, at codon 1566 of the BRCA2 protein (p.Thr1566Ser). This variant is not present in population databases (gnomAD no frequency). This variant has not been reported in the literature in individuals affected with BRCA2-related conditions. ClinVar contains an entry for this variant (Variation ID: 662955). Invitae Evidence Modeling of protein sequence and biophysical properties (such as structural, functional, and spatial information, amino acid conservation, physicochemical variation, residue mobility, and thermodynamic stability) indicates that this missense variant is not expected to disrupt BRCA2 protein function with a negative predictive value of 95%. In summary, the available evidence is currently insufficient to determine the role of this variant in disease. Therefore, it has been classified as a Variant of Uncertain Significance.

University of Washington Department of Laboratory Medicine, University of Washington
Classification: Likely benign for Hereditary cancer-predisposing syndrome. Last evaluated: 2023-03-23. Review status: criteria provided, single submitter. Criteria: Dines et al. (Genet Med. 2020). Collection method: curation. Allele origin: germline.
Comment: Missense variant in a coldspot region where missense variants are very unlikely to be pathogenic (PMID:31911673).

BRCA2 exon 11 coldspot. Reclassification based on statistical prior probability.

NM_000059.4(BRCA2):c.4696A>T (p.Thr1566Ser)

Gene: BRCA2 (BRCA2 DNA repair associated; plus strand). Cytogenetic location: 13q13.1.
Variant type: single nucleotide variant.
Coding change: c.4696A>T on transcript NM_000059.4 (MANE Select); coding-DNA position 4696, A replaced by T.
Protein change: p.Thr1566Ser; replaces threonine 1566 with serine.
Molecular consequence: missense variant.
Genome position (GRCh38, 1-based): chr13:32,339,051, A>T. VCF-style: chr13-32339051-A-T. GRCh37 (hg19) VCF-style: chr13-32913188-A-T.
Other names: short protein forms T1566S.
Identifiers: ClinVar variation 662955 (VCV000662955.10), dbSNP rs1555283904, ClinGen allele CA387782883.
Genomic context (GRCh38, chr13:32,339,051, plus strand): 5'-TTTGATGAAAAAGAGCAAGGTACTAGTGAAATCACCAGTTTTAGCCATCAATGGGCAAAG[A>T]CCCTAAAGTACAGAGAGGCCTGTAAAGACCTTGAATTAGCATGTGAGACCATTGAGATCA-3'
Protein context (NP_000050.3, residues 1556-1576): ITSFSHQWAK[Thr1566Ser]LKYREACKDL